The following is an entry in ClinVar:

NM_000541.5(SAG):c.*90G>A

Gene: SAG (S-antigen visual arrestin; plus strand). Cytogenetic location: 2q37.1.
Variant type: single nucleotide variant.
Coding change: c.*90G>A on transcript NM_000541.5 (MANE Select); 90 bases downstream of the stop codon, G replaced by A.
Molecular consequence: 3 prime UTR variant.
Genome position (GRCh38, 1-based): chr2:233,347,002, G>A. VCF-style: chr2-233347002-G-A. GRCh37 (hg19) VCF-style: chr2-234255648-G-A.
Identifiers: ClinVar variation 335077 (VCV000335077.5), dbSNP rs143418950, ClinGen allele CA10614881.

ClinVar aggregate classification (germline): Conflicting classifications of pathogenicity. Review status: criteria provided, conflicting classifications (1 of 4 stars). 2 submissions from 1 submitter: Uncertain significance (1); Likely benign (1). Last evaluated 2018-01-13.

Conditions:
Oguchi disease. Also called: Oguchi's disease. Identifiers: Orphanet 75382, MedGen C1306122, MONDO:0019152.
Retinitis pigmentosa (RP). Identifiers: Orphanet 791, MedGen C0035334, MeSH D012174, MONDO:0019200, OMIM 268000. Inheritance: Autosomal dominant, autosomal recessive and X linked inheritance.

Allele frequency attached by ClinVar (database versions not stated): TOPMed 0.00077; 1000 Genomes Project 30x 0.00234; 1000 Genomes Project 0.00260.

Submissions (2):

Illumina Laboratory Services, Illumina
Classification: Likely benign for Oguchi disease-1. Last evaluated: 2018-01-13. Review status: criteria provided, single submitter. Criteria: ICSL Variant Classification Criteria 13 December 2019. Collection method: clinical testing. Allele origin: germline.
Comment: This variant was observed in the ICSL laboratory as part of a predisposition screen in an ostensibly healthy population. It had not been previously curated by ICSL or reported in the Human Gene Mutation Database (HGMD: prior to June 1st, 2018), and was therefore a candidate for classification through an automated scoring system. Utilizing variant allele frequency, disease prevalence and penetrance estimates, and inheritance mode, an automated score was calculated to assess if this variant is too frequent to cause the disease. Based on the score and internal cut-off values, a variant classified as likely benign is not then subjected to further curation. The score for this variant resulted in a classification of likely benign for this disease.

Illumina Laboratory Services, Illumina
Classification: Uncertain significance for Retinitis pigmentosa. Last evaluated: 2018-01-13. Review status: criteria provided, single submitter. Criteria: ICSL Variant Classification Criteria 13 December 2019. Collection method: clinical testing. Allele origin: germline.